The following is an entry in ClinVar:

NM_017837.4(PIGV):c.37A>G (p.Arg13Gly)

Gene: PIGV (phosphatidylinositol glycan anchor biosynthesis class V; plus strand). Cytogenetic location: 1p36.11.
Variant type: single nucleotide variant.
Coding change: c.37A>G on transcript NM_017837.4 (MANE Select); coding-DNA position 37, A replaced by G.
Protein change: p.Arg13Gly; replaces arginine 13 with glycine.
Molecular consequence: missense variant. On other transcripts: non-coding transcript variant (2), intron variant (1).
Genome position (GRCh38, 1-based): chr1:26,790,852, A>G. VCF-style: chr1-26790852-A-G. GRCh37 (hg19) VCF-style: chr1-27117343-A-G.
Other names: c.37A>G, p.Arg13Gly (NM_001202554.2, NM_001374478.1, NM_001374480.1 and 5 more transcripts); c.-304+3046A>G (NM_001374483.1); short protein forms R13G.
Identifiers: ClinVar variation 2034918 (VCV002034918.4), dbSNP rs1234068522, ClinGen allele CA339197393.

ClinVar aggregate classification (germline): Uncertain significance (1 of 4 stars; one submission).

Allele frequency attached by ClinVar (database versions not stated): TOPMed below 0.00001.
gnomAD v4.1: 2 of 1,614,096 alleles (0.00012%); highest among the groups gnomAD compares: Non-Finnish European, 0.00017%; no homozygotes.

Submission:

Labcorp Genetics (formerly Invitae), Labcorp
Classification: Uncertain significance. Last evaluated: 2021-12-06. Review status: criteria provided, single submitter. Criteria: Invitae Variant Classification Sherloc (09022015). Collection method: clinical testing. Allele origin: germline.
Comment: This sequence change replaces arginine, which is basic and polar, with glycine, which is neutral and non-polar, at codon 13 of the PIGV protein (p.Arg13Gly). This variant is not present in population databases (gnomAD no frequency). This variant has not been reported in the literature in individuals affected with PIGV-related conditions. Algorithms developed to predict the effect of missense changes on protein structure and function output the following: SIFT: "Tolerated"; PolyPhen-2: "Benign"; Align-GVGD: "Class C0". The glycine amino acid residue is found in multiple mammalian species, which suggests that this missense change does not adversely affect protein function. In summary, the available evidence is currently insufficient to determine the role of this variant in disease. Therefore, it has been classified as a Variant of Uncertain Significance.